The following is an entry in ClinVar:

NM_000516.7(GNAS):c.-8C>T

Gene: GNAS (GNAS complex locus; plus strand). Cytogenetic location: 20q13.32.
Variant type: single nucleotide variant.
Coding change: c.-8C>T on transcript NM_000516.7 (MANE Select); 8 bases upstream of the start codon, C replaced by T.
Molecular consequence: 5 prime UTR variant. On other transcripts: intron variant (8).
Genome position (GRCh38, 1-based): chr20:58,891,719, C>T. VCF-style: chr20-58891719-C-T. GRCh37 (hg19) VCF-style: chr20-57466774-C-T.
Other names: c.-8C>T (NM_001077488.5, NM_001077489.4, NM_001309842.2 and 1 more transcripts); c.*43-3893C>T (NM_016592.5); c.44-3893C>T (NM_001410912.1); c.-38-3893C>T (NM_001309861.2); c.*1-3893C>T (NM_001077490.3); c.2069-3893C>T (NM_080425.4, NM_001410913.1); c.*159-3893C>T (NM_001309883.1); c.-39+2366C>T (NM_001309840.2).
Identifiers: ClinVar variation 3053546 (VCV003053546.2), dbSNP rs542238161, ClinGen allele CA9926863.

ClinVar aggregate classification (germline): Likely benign (0 of 4 stars; one submission).

Conditions:
GNAS-related disorder. Identifiers: MedGen CN380105.

Allele frequency attached by ClinVar (database versions not stated): TOPMed 0.00003; 1000 Genomes Project 0.00020; gnomAD 0.00002; gnomAD exomes 0.00004; ExAC 0.00012.
gnomAD v4.1: 46 of 1,109,598 alleles (0.0041%); highest among the groups gnomAD compares: South Asian, 0.021%; no homozygotes.

Submission:

PreventionGenetics, part of Exact Sciences
Classification: Likely benign for GNAS-related condition. Last evaluated: 2022-05-10. Review status: no assertion criteria provided. Collection method: clinical testing. Allele origin: germline.
Comment: This variant is classified as likely benign based on ACMG/AMP sequence variant interpretation guidelines (Richards et al. 2015 PMID: 25741868, with internal and published modifications).